The following is an entry in ClinVar:

ClinVar aggregate classification (germline): Benign/Likely benign. Review status: criteria provided, multiple submitters, no conflicts (2 of 4 stars). 13 submissions from 10 submitters: Benign (10); Likely benign (1). 2 of the submissions do not count toward it. Last evaluated 2026-02-04.

Conditions:
Joubert syndrome. Also called: Familial aplasia of the vermis; JOUBERT-BOLTSHAUSER SYNDROME. Identifiers: Orphanet 475, MedGen C5979921, MONDO:0018772.
Meckel-Gruber syndrome. Also called: Dysencephalia splachnocystica; GRUBER SYNDROME; DYSENCEPHALIA SPLANCHNOCYSTICA. Identifiers: Orphanet 564, MedGen C0265215, MONDO:0018921.
Nephronophthisis 8. Identifiers: MedGen CN119610.
Meckel syndrome, type 5 (MKS5). Identifiers: Orphanet 564, MedGen C1969052, MONDO:0012695, OMIM 611561.
Joubert syndrome 7 (JBTS7). Identifiers: Orphanet 220497, MedGen C1969053, MONDO:0012694, OMIM 611560.

Allele frequency attached by ClinVar (database versions not stated): gnomAD exomes 0.09468 and 0.11209; gnomAD 0.10881 and 0.11161; ESP Exome Variant Server 0.11019; ExAC 0.11456; TOPMed 0.11730; 1000 Genomes Project 30x 0.16458; 1000 Genomes Project 0.16613.
gnomAD v4.1: 156,217 of 1,611,706 alleles (9.7%); highest among the groups gnomAD compares: East Asian, 28%; 9,243 homozygotes.

Submissions (13):

Labcorp Genetics (formerly Invitae), Labcorp
Classification: Benign for Joubert syndrome; Meckel-Gruber syndrome. Last evaluated: 2026-02-04. Review status: criteria provided, single submitter. Criteria: Invitae Variant Classification Sherloc (09022015). Collection method: clinical testing. Allele origin: germline.

Blueprint Genetics
Classification: Likely benign. Last evaluated: 2024-11-27. Review status: criteria provided, single submitter. Criteria: ACMG Guidelines, 2015. Collection method: clinical testing. Allele origin: germline.

Mayo Clinic Laboratories, Mayo Clinic
Classification: Benign. Last evaluated: 2022-03-23. Review status: criteria provided, single submitter. Criteria: ACMG Guidelines, 2015. Collection method: clinical testing. Allele origin: germline. Observed: 112 variant alleles.

Genome-Nilou Lab
Classification: Benign for Joubert syndrome 7. Last evaluated: 2021-07-10. Review status: criteria provided, single submitter. Criteria: ACMG Guidelines, 2015. Collection method: clinical testing. Allele origin: germline. Affected: no.

Genome-Nilou Lab
Classification: Benign for Meckel syndrome, type 5. Last evaluated: 2021-07-10. Review status: criteria provided, single submitter. Criteria: ACMG Guidelines, 2015. Collection method: clinical testing. Allele origin: germline. Affected: no.

Illumina Laboratory Services, Illumina
Classification: Benign for Nephronophthisis 8. Last evaluated: 2018-01-13. Review status: criteria provided, single submitter. Criteria: ICSL Variant Classification Criteria 13 December 2019. Collection method: clinical testing. Allele origin: germline.
Comment: This variant was observed in the ICSL laboratory as part of a predisposition screen in an ostensibly healthy population. It had not been previously curated by ICSL or reported in the Human Gene Mutation Database (HGMD: prior to June 1st, 2018), and was therefore a candidate for classification through an automated scoring system. Utilizing variant allele frequency, disease prevalence and penetrance estimates, and inheritance mode, an automated score was calculated to assess if this variant is too frequent to cause the disease. Based on the score and internal cut-off values, a variant classified as benign is not then subjected to further curation. The score for this variant resulted in a classification of benign for this disease.

Illumina Laboratory Services, Illumina
Classification: Benign for Joubert syndrome 7. Last evaluated: 2018-01-13. Review status: criteria provided, single submitter. Criteria: ICSL Variant Classification Criteria 13 December 2019. Collection method: clinical testing. Allele origin: germline.
Comment: the same text as in the submission from Illumina Laboratory Services, Illumina above.

Illumina Laboratory Services, Illumina
Classification: Benign for Meckel syndrome, type 5. Last evaluated: 2018-01-13. Review status: criteria provided, single submitter. Criteria: ICSL Variant Classification Criteria 13 December 2019. Collection method: clinical testing. Allele origin: germline.
Comment: the same text as in the submission from Illumina Laboratory Services, Illumina above.

GeneDx
Classification: Benign. Last evaluated: 2014-02-27. Review status: criteria provided, single submitter. Criteria: GeneDx Variant Classification (06012015). Collection method: clinical testing. Allele origin: germline. Affected: yes.
Comment: This variant is considered likely benign or benign based on one or more of the following criteria: it is a conservative change, it occurs at a poorly conserved position in the protein, it is predicted to be benign by multiple in silico algorithms, and/or has population frequency not consistent with disease.

Breakthrough Genomics
Classification: Benign. Review status: criteria provided, single submitter. Criteria: ACMG Guidelines, 2015. Collection method: not provided. Allele origin: germline. Inheritance: Autosomal recessive inheritance. Affected: yes.

PreventionGenetics, part of Exact Sciences
Classification: Benign. Review status: criteria provided, single submitter. Criteria: ACMG Guidelines, 2015. Collection method: clinical testing. Allele origin: germline.

Natera, Inc.
Classification: Benign for Joubert syndrome. Last evaluated: 2020-09-16. Review status: no assertion criteria provided. Collection method: clinical testing. Allele origin: germline. Not counted in ClinVar's aggregate classification.

Genetic Services Laboratory, University of Chicago
Classification: Likely benign for AllHighlyPenetrant. Review status: no assertion criteria provided. Collection method: clinical testing. Allele origin: germline. Inheritance: Autosomal recessive inheritance. Observed: 135 variant alleles. Not counted in ClinVar's aggregate classification.
Comment: Likely benign based on allele frequency in 1000 Genomes Project or ESP global frequency and its presence in a patient with a rare or unrelated disease phenotype. NOT Sanger confirmed.

NM_015272.5(RPGRIP1L):c.3073G>A (p.Gly1025Ser)

Gene: RPGRIP1L (RPGRIP1 like; minus strand). Cytogenetic location: 16q12.2.
Variant type: single nucleotide variant.
Coding change: c.3073G>A on transcript NM_015272.5 (MANE Select); coding-DNA position 3073, G replaced by A.
Protein change: p.Gly1025Ser; replaces glycine 1025 with serine.
Molecular consequence: missense variant.
Genome position (GRCh38, 1-based): chr16:53,637,842, C>T on the plus strand (G>A on the coding strand, the complement: RPGRIP1L is on the minus strand). VCF-style: chr16-53637842-C-T. GRCh37 (hg19) VCF-style: chr16-53671754-C-T.
Other names: p.G1025S:GGC>AGC; c.2971G>A, p.Gly991Ser (NM_001127897.4, NM_001330538.2); c.3073G>A, p.Gly1025Ser (NM_001308334.3); short protein forms G1025S, G991S.
Identifiers: ClinVar variation 126277 (VCV000126277.28), dbSNP rs2111119, ClinGen allele CA150944.